The following is an entry in ClinVar:

ClinVar aggregate classification (germline): Uncertain significance (1 of 4 stars; one submission).

Submission:

GeneDx
Classification: Uncertain significance. Last evaluated: 2024-07-03. Review status: criteria provided, single submitter. Criteria: GeneDx Variant Classification Process June 2021. Collection method: clinical testing. Allele origin: germline. Affected: yes.
Comment: Not observed at significant frequency in large population cohorts (gnomAD); Missense variant in a gene in which most reported pathogenic variants are truncating/loss of function; Has not been previously published as pathogenic or benign to our knowledge

NM_001267550.2(TTN):c.96929C>T (p.Thr32310Ile)

Genes: TTN (titin; minus strand), TTN-AS1 (TTN antisense RNA 1; plus strand), LOC126806421 (CDK7 strongly-dependent group 2 enhancer GRCh37_chr2:179407630-179408829; plus strand). Cytogenetic location: 2q31.2.
Variant type: single nucleotide variant.
Coding change: c.96929C>T on transcript NM_001267550.2 (MANE Select); coding-DNA position 96929, C replaced by T.
Protein change: p.Thr32310Ile; replaces threonine 32310 with isoleucine.
Molecular consequence: missense variant.
Genome position (GRCh38, 1-based): chr2:178,542,925, G>A on the plus strand (C>T on the coding strand, the complement: TTN is on the minus strand). VCF-style: chr2-178542925-G-A. GRCh37 (hg19) VCF-style: chr2-179407652-G-A.
Other names: c.92006C>T, p.Thr30669Ile (NM_001256850.1); c.69734C>T, p.Thr23245Ile (NM_003319.4); c.89225C>T, p.Thr29742Ile (NM_133378.4); c.70109C>T, p.Thr23370Ile (NM_133432.3); c.70310C>T, p.Thr23437Ile (NM_133437.4); short protein forms T23245I, T30669I, T32310I, T23370I, T23437I, T29742I.
Identifiers: ClinVar variation 3393536 (VCV003393536.1).